The following is an entry in ClinVar:

NM_000350.3(ABCA4):c.4426A>G (p.Lys1476Glu)

Gene: ABCA4 (ATP binding cassette subfamily A member 4; minus strand). Cytogenetic location: 1p22.1.
Variant type: single nucleotide variant.
Coding change: c.4426A>G on transcript NM_000350.3 (MANE Select); coding-DNA position 4426, A replaced by G.
Protein change: p.Lys1476Glu; replaces lysine 1476 with glutamic acid.
Molecular consequence: missense variant.
Genome position (GRCh38, 1-based): chr1:94,029,558, T>C on the plus strand (A>G on the coding strand, the complement: ABCA4 is on the minus strand). VCF-style: chr1-94029558-T-C. GRCh37 (hg19) VCF-style: chr1-94495114-T-C.
Other names: c.4204A>G, p.Lys1402Glu (NM_001425324.1); short protein forms K1476E, K1402E.
Identifiers: ClinVar variation 2110103 (VCV002110103.2), dbSNP rs1224522600, ClinGen allele CA341285108.
Genomic context (GRCh38, chr1:94,029,558, plus strand): 5'-GCTTCTCCCTGGTGCTGCACCTGCAGGATGGTGAAGGGTTGACCTGTGTCCATTTCTGCT[T>C]CTGGAACAGCTGGGTGATGTTTGGGGACACAGAAGGAGTCTTCCAGGGTGTTGAGTTGCC-3'
Protein context (NP_000341.2, residues 1466-1486): VSPNITQLFQ[Lys1476Glu]QKWTQVNPSP

ClinVar aggregate classification (germline): Uncertain significance. Review status: criteria provided, multiple submitters, no conflicts (2 of 4 stars). 2 submissions from 2 submitters: Uncertain significance (2). Last evaluated 2023-10-01.

Conditions:
Retinal dystrophy. Also called: Inherited retinal dystrophy. Identifiers: Orphanet 71862, MedGen C0854723, MeSH D058499, MONDO:0019118, HP:0000556.

Allele frequency attached by ClinVar (database versions not stated): gnomAD exomes 0.00001.
gnomAD v4.1: 8 of 1,613,798 alleles (0.0005%); highest among the groups gnomAD compares: East Asian, 0.018%; no homozygotes.

Submissions (2):

Dept Of Ophthalmology, Nagoya University
Classification: Uncertain significance for Retinal dystrophy. Last evaluated: 2023-10-01. Review status: criteria provided, single submitter. Criteria: Submitter's publication. Collection method: research. Allele origin: germline. Affected: yes.

Labcorp Genetics (formerly Invitae), Labcorp
Classification: Uncertain significance. Last evaluated: 2022-03-12. Review status: criteria provided, single submitter. Criteria: Invitae Variant Classification Sherloc (09022015). Collection method: clinical testing. Allele origin: germline.
Comment: This sequence change replaces lysine, which is basic and polar, with glutamic acid, which is acidic and polar, at codon 1476 of the ABCA4 protein (p.Lys1476Glu). This variant is not present in population databases (gnomAD no frequency). This variant has not been reported in the literature in individuals affected with ABCA4-related conditions. Advanced modeling of protein sequence and biophysical properties (such as structural, functional, and spatial information, amino acid conservation, physicochemical variation, residue mobility, and thermodynamic stability) performed at Invitae indicates that this missense variant is not expected to disrupt ABCA4 protein function. In summary, the available evidence is currently insufficient to determine the role of this variant in disease. Therefore, it has been classified as a Variant of Uncertain Significance.